The following is an entry in ClinVar:

NM_021620.4(PRDM13):c.673G>C (p.Glu225Gln)

Gene: PRDM13 (PR/SET domain 13; plus strand). Cytogenetic location: 6q16.2.
Variant type: single nucleotide variant.
Coding change: c.673G>C on transcript NM_021620.4 (MANE Select); coding-DNA position 673, G replaced by C.
Protein change: p.Glu225Gln; replaces glutamic acid 225 with glutamine.
Molecular consequence: missense variant.
Genome position (GRCh38, 1-based): chr6:99,613,308, G>C. VCF-style: chr6-99613308-G-C. GRCh37 (hg19) VCF-style: chr6-100061184-G-C.
Other names: c.673G>C (NM_021620.3); short protein forms E225Q.
Identifiers: ClinVar variation 1462669 (VCV001462669.7), dbSNP rs757996644, ClinGen allele CA3936259.

ClinVar aggregate classification (germline): Uncertain significance. Review status: criteria provided, multiple submitters, no conflicts (2 of 4 stars). 2 submissions from 2 submitters: Uncertain significance (2). Last evaluated 2025-04-19.

Conditions:
Inborn genetic diseases. Identifiers: MedGen C0950123, MeSH D030342.

Submissions (2):

Labcorp Genetics (formerly Invitae), Labcorp
Classification: Uncertain significance. Last evaluated: 2025-04-19. Review status: criteria provided, single submitter. Criteria: Invitae Variant Classification Sherloc (09022015). Collection method: clinical testing. Allele origin: germline.
Comment: This sequence change replaces glutamic acid, which is acidic and polar, with glutamine, which is neutral and polar, at codon 225 of the PRDM13 protein (p.Glu225Gln). This variant is present in population databases (rs757996644, gnomAD 0.01%). This variant has not been reported in the literature in individuals affected with PRDM13-related conditions. ClinVar contains an entry for this variant (Variation ID: 1462669). An algorithm developed to predict the effect of missense changes on protein structure and function (PolyPhen-2) suggests that this variant is likely to be tolerated. In summary, the available evidence is currently insufficient to determine the role of this variant in disease. Therefore, it has been classified as a Variant of Uncertain Significance.

Ambry Genetics
Classification: Uncertain significance for Inborn genetic diseases. Last evaluated: 2024-06-07. Review status: criteria provided, single submitter. Criteria: Ambry Variant Classification Scheme 2023. Collection method: clinical testing. Allele origin: germline.